The following is an entry in ClinVar:

ClinVar aggregate classification (germline): Benign (1 of 4 stars; one submission).

Conditions:
Leigh syndrome (NULS). Also called: Leigh's necrotizing encephalopathy; Leigh's disease; Leigh Syndrome (mtDNA deletion); Leigh Disease; Subacute necrotizing encephalopathy; Necrotizing encephalopathy infantile subacute of Leigh. Identifiers: Orphanet 506, MedGen C2931891, MONDO:0009723, OMIM 256000.

Submission:

Wong Mito Lab, Molecular and Human Genetics, Baylor College of Medicine
Classification: Benign for Leigh syndrome. Last evaluated: 2019-10-17. Review status: criteria provided, single submitter. Criteria: Modified ACMG Guidelines (Unpublished). Collection method: clinical testing. Allele origin: germline.
Comment: The NC_012920.1:m.8490T>C (YP_003024030.1:p.Met42Thr) variant in MTATP8 gene is interpretated to be a Benign variant based on the modified ACMG guidelines (unpublished). This variant meets the following evidence codes: BS1, BS2

NC_012920.1(MT-ATP8):m.8490T>C

Gene: MT-ATP8 (mitochondrially encoded ATP synthase 8; plus strand).
Variant type: single nucleotide variant.
Genome position: chrM-8490-T-C.
Identifiers: ClinVar variation 692876 (VCV000692876.1), dbSNP rs1603221530, ClinGen allele CA414796323.
Genomic context (GRCh38, chrMT:8,490, plus strand): 5'-TCATCACCCAACTAAAAATATTAAACACAAACTACCACCTACCTCCCTCACCAAAGCCCA[T>C]AAAAATAAAAAATTATAACAAACCCTGAGAACCAAAATGAACGAAAATCTGTTCGCTTCA-3'